The following is an entry in ClinVar:

NM_000038.6(APC):c.7201C>A (p.Leu2401Ile)

Gene: APC (APC regulator of Wnt signaling pathway; plus strand). Cytogenetic location: 5q22.2.
Variant type: single nucleotide variant.
Coding change: c.7201C>A on transcript NM_000038.6 (MANE Select); coding-DNA position 7201, C replaced by A.
Protein change: p.Leu2401Ile; replaces leucine 2401 with isoleucine.
Molecular consequence: missense variant. On other transcripts: non-coding transcript variant (2).
Genome position (GRCh38, 1-based): chr5:112,842,795, C>A. VCF-style: chr5-112842795-C-A. GRCh37 (hg19) VCF-style: chr5-112178492-C-A.
Other names: c.7201C>A, p.Leu2401Ile (NM_001127510.3, NM_001354895.2, NM_001407450.1); c.7147C>A, p.Leu2383Ile (NM_001127511.3); c.7255C>A, p.Leu2419Ile (NM_001354896.2, NM_001407447.1, NM_001407448.1 and 1 more transcripts); c.7231C>A, p.Leu2411Ile (NM_001354897.2); c.7126C>A, p.Leu2376Ile (NM_001354898.2); c.7117C>A, p.Leu2373Ile (NM_001354899.2); c.7078C>A, p.Leu2360Ile (NM_001354900.2); c.7024C>A, p.Leu2342Ile (NM_001354901.2, NM_001407453.1); and 11 more; short protein forms L2342I, L2360I, L2401I, L2429I, L2318I, L2373I, L2376I, L2391I.
Identifiers: ClinVar variation 3928041 (VCV003928041.2).
Genomic context (GRCh38, chr5:112,842,795, plus strand): 5'-CAAACAGGTTTATCCAAGAATGCCAGTAGTATTCCAAGAAGTGAGTCTGCCTCCAAAGGA[C>A]TAAATCAGATGAATAATGGTAATGGAGCCAATAAAAAGGTAGAACTTTCTAGAATGTCTT-3'
Protein context (NP_000029.2, residues 2391-2411): IPRSESASKG[Leu2401Ile]NQMNNGNGAN

ClinVar aggregate classification (germline): Uncertain significance. Review status: criteria provided, multiple submitters, no conflicts (2 of 4 stars). 2 submissions from 2 submitters: Uncertain significance (2). Last evaluated 2025-04-01.

Conditions:
Hereditary cancer-predisposing syndrome. Also called: Hereditary Cancer Syndrome; Hereditary neoplastic syndrome; Neoplastic Syndromes, Hereditary; Tumor predisposition. Identifiers: Orphanet 140162, MedGen C0027672, MeSH D009386, MONDO:0015356.
Familial adenomatous polyposis 1 (FAP1). Also called: FAMILIAL ADENOMATOUS POLYPOSIS 1, ATTENUATED; POLYPOSIS, ADENOMATOUS INTESTINAL. Identifiers: MedGen C2713442, MONDO:0021056, OMIM 175100. Disease mechanism: loss of function.

Submissions (2):

Ambry Genetics
Classification: Uncertain significance for Hereditary cancer-predisposing syndrome. Last evaluated: 2025-04-01. Review status: criteria provided, single submitter. Criteria: Ambry Variant Classification Scheme 2023. Collection method: clinical testing. Allele origin: germline.
Comment: The p.L2401I variant (also known as c.7201C>A), located in coding exon 15 of the APC gene, results from a C to A substitution at nucleotide position 7201. The leucine at codon 2401 is replaced by isoleucine, an amino acid with highly similar properties. This amino acid position is highly conserved in available vertebrate species. In addition, in silico predictors for this gene do not accurately predict pathogenicity. Missense alterations in APC are not a common cause of disease (Spier I et al. Genet Med. 2024 Feb;26(2):100992). Based on the available evidence, the clinical significance of this variant remains unclear.

Labcorp Genetics (formerly Invitae), Labcorp
Classification: Uncertain significance for Familial adenomatous polyposis 1. Last evaluated: 2025-03-23. Review status: criteria provided, single submitter. Criteria: Invitae Variant Classification Sherloc (09022015). Collection method: clinical testing. Allele origin: germline.
Comment: This sequence change replaces leucine, which is neutral and non-polar, with isoleucine, which is neutral and non-polar, at codon 2401 of the APC protein (p.Leu2401Ile). This variant is not present in population databases (gnomAD no frequency). This variant has not been reported in the literature in individuals affected with APC-related conditions. Invitae Evidence Modeling of protein sequence and biophysical properties (such as structural, functional, and spatial information, amino acid conservation, physicochemical variation, residue mobility, and thermodynamic stability) indicates that this missense variant is not expected to disrupt APC protein function with a negative predictive value of 95%. In summary, the available evidence is currently insufficient to determine the role of this variant in disease. Therefore, it has been classified as a Variant of Uncertain Significance.